The following is an entry in ClinVar:

ClinVar aggregate classification (germline): Benign (1 of 4 stars; one submission).

Submission:

GeneDx
Classification: Benign. Last evaluated: 2018-06-14. Review status: criteria provided, single submitter. Criteria: GeneDx Variant Classification (06012015). Collection method: clinical testing. Allele origin: germline. Affected: yes.
Comment: This variant is considered likely benign or benign based on one or more of the following criteria: it is a conservative change, it occurs at a poorly conserved position in the protein, it is predicted to be benign by multiple in silico algorithms, and/or has population frequency not consistent with disease.

NM_153240.5(NPHP3):c.1986-165_1986-164insTGAG

Genes: NPHP3 (nephrocystin 3; minus strand), NPHP3-ACAD11 (NPHP3-ACAD11 readthrough (NMD candidate); minus strand). Cytogenetic location: 3q22.1.
Variant type: Insertion.
Coding change: c.1986-165_1986-164insTGAG on transcript NM_153240.5 (MANE Select); 165 bases into the intron before coding-DNA position 1986 through 164 bases into the intron before coding-DNA position 1986, TGAG inserted.
Molecular consequence: intron variant.
Genome position: GRCh38 VCF-style: chr3-132697526-T-TACTC. GRCh37 (hg19) VCF-style: chr3-132416370-T-TACTC.
Identifiers: ClinVar variation 667696 (VCV000667696.1), dbSNP rs10670383, ClinGen allele CA83591340.